The following is an entry in ClinVar:

ClinVar aggregate classification (germline): Likely benign (0 of 4 stars; one submission).

Conditions:
PLEKHA7-related disorder. Also called: PLEKHA7-related condition.

Allele frequency attached by ClinVar (database versions not stated): ExAC 0.00005; TOPMed 0.00011.
gnomAD v4.1: 48 of 1,613,734 alleles (0.003%); highest among the groups gnomAD compares: African/African-American, 0.043%; no homozygotes.

Submission:

PreventionGenetics, part of Exact Sciences
Classification: Likely benign for PLEKHA7-related condition. Last evaluated: 2020-05-11. Review status: no assertion criteria provided. Collection method: clinical testing. Allele origin: germline.
Comment: This variant is classified as likely benign based on ACMG/AMP sequence variant interpretation guidelines (Richards et al. 2015 PMID: 25741868, with internal and published modifications).

NM_001329630.2(PLEKHA7):c.2529G>A (p.Thr843=)

Gene: PLEKHA7 (pleckstrin homology domain containing A7; minus strand). Cytogenetic location: 11p15.2.
Variant type: single nucleotide variant.
Coding change: c.2529G>A on transcript NM_001329630.2 (MANE Select); coding-DNA position 2529, G replaced by A.
Protein change: p.Thr843=; no amino-acid change (threonine 843 retained).
Molecular consequence: synonymous variant.
Genome position (GRCh38, 1-based): chr11:16,794,704, C>T on the plus strand (G>A on the coding strand, the complement: PLEKHA7 is on the minus strand). VCF-style: chr11-16794704-C-T. GRCh37 (hg19) VCF-style: chr11-16816251-C-T.
Other names: c.2529G>A, p.Thr843= (NM_001329631.2, NM_001410960.1, NM_175058.5).
Identifiers: ClinVar variation 3054426 (VCV003054426.2), dbSNP rs750019736, ClinGen allele CA5899057.